The following is an entry in ClinVar:

ClinVar aggregate classification (germline): Uncertain significance. Review status: criteria provided, multiple submitters, no conflicts (2 of 4 stars). 2 submissions from 2 submitters: Uncertain significance (2). Last evaluated 2024-10-20.

Submissions (2):

GeneDx
Classification: Uncertain significance. Last evaluated: 2024-10-20. Review status: criteria provided, single submitter. Criteria: GeneDx Variant Classification Process June 2021. Collection method: clinical testing. Allele origin: germline. Affected: yes.
Comment: Not observed at significant frequency in large population cohorts (gnomAD); In-frame deletion of 3 amino acid(s) in a non-repeat region; In silico analysis supports a deleterious effect on protein structure/function; Has not been previously published as pathogenic or benign to our knowledge

Labcorp Genetics (formerly Invitae), Labcorp
Classification: Uncertain significance. Last evaluated: 2022-03-08. Review status: criteria provided, single submitter. Criteria: Invitae Variant Classification Sherloc (09022015). Collection method: clinical testing. Allele origin: germline.
Comment: This variant, c.1538_1546del, results in the deletion of 3 amino acid(s) of the SARS2 protein (p.Gly513_Pro515del), but otherwise preserves the integrity of the reading frame. This variant is present in population databases (rs758646266, gnomAD 0.002%). In summary, the available evidence is currently insufficient to determine the role of this variant in disease. Therefore, it has been classified as a Variant of Uncertain Significance. This variant has not been reported in the literature in individuals affected with SARS2-related conditions. Experimental studies and prediction algorithms are not available or were not evaluated, and the functional significance of this variant is currently unknown.

NM_017827.4(SARS2):c.1538_1546del (p.Gly513_Pro515del)

Gene: SARS2 (seryl-tRNA synthetase 2, mitochondrial; minus strand). Cytogenetic location: 19q13.2.
Variant type: Deletion.
Coding change: c.1538_1546del on transcript NM_017827.4 (MANE Select); coding-DNA positions 1538 to 1546, 9 bases deleted (GCCAGCCTG; older notation c.1538_1546delGCCAGCCTG).
Protein change: p.Gly513_Pro515del.
Molecular consequence: inframe deletion.
Genome position (GRCh38, 1-based): chr19:38,915,617-38,915,625, CAGGCTGGC deleted on the plus strand (GCCAGCCTG on the coding strand, the reverse complement: SARS2 is on the minus strand); deleting any 9 consecutive bases within chr19:38,915,617-38,915,630 gives the same sequence; the c. name uses the placement nearest the transcript's 3' end. VCF-style (leftmost placement, unchanged base first): chr19-38915616-GCAGGCTGGC-G. GRCh37 (hg19) VCF-style: chr19-39406256-GCAGGCTGGC-G.
Other names: c.1538_1546del (NM_017827.3); c.1544_1552del, p.Gly515_Pro517del (NM_001145901.2).
Identifiers: ClinVar variation 1502212 (VCV001502212.8), dbSNP rs758646266, ClinGen allele CA9422668.